The following is an entry in ClinVar:

ClinVar aggregate classification (germline): Uncertain significance (1 of 4 stars; one submission).

Conditions:
Combined malonic and methylmalonic acidemia. Identifiers: Orphanet 289504, MedGen C3280314, MONDO:0013661, OMIM 614265.

Allele frequency attached by ClinVar (database versions not stated): gnomAD 0.00001; 1000 Genomes Project 30x 0.00016; 1000 Genomes Project 0.00020.
gnomAD v4.1: 5 of 1,612,670 alleles (0.00031%); highest among the groups gnomAD compares: Admixed American, 0.0067%; no homozygotes.

Submission:

Labcorp Genetics (formerly Invitae), Labcorp
Classification: Uncertain significance for Combined malonic and methylmalonic acidemia. Last evaluated: 2021-12-15. Review status: criteria provided, single submitter. Criteria: Invitae Variant Classification Sherloc (09022015). Collection method: clinical testing. Allele origin: germline.
Comment: This sequence change replaces valine, which is neutral and non-polar, with leucine, which is neutral and non-polar, at codon 540 of the ACSF3 protein (p.Val540Leu). This variant is present in population databases (rs570670205, gnomAD 0.009%). This variant has not been reported in the literature in individuals affected with ACSF3-related conditions. Algorithms developed to predict the effect of missense changes on protein structure and function (SIFT, PolyPhen-2, Align-GVGD) all suggest that this variant is likely to be tolerated. In summary, the available evidence is currently insufficient to determine the role of this variant in disease. Therefore, it has been classified as a Variant of Uncertain Significance.

NM_001243279.3(ACSF3):c.1618G>C (p.Val540Leu)

Gene: ACSF3 (acyl-CoA synthetase family member 3; plus strand). Cytogenetic location: 16q24.3.
Variant type: single nucleotide variant.
Coding change: c.1618G>C on transcript NM_001243279.3 (MANE Select); coding-DNA position 1618, G replaced by C.
Protein change: p.Val540Leu; replaces valine 540 with leucine.
Molecular consequence: missense variant. On other transcripts: non-coding transcript variant (4).
Genome position (GRCh38, 1-based): chr16:89,154,094, G>C. VCF-style: chr16-89154094-G-C. GRCh37 (hg19) VCF-style: chr16-89220502-G-C.
Other names: c.1618G>C, p.Val540Leu (NM_001127214.4, NM_174917.5); c.823G>C, p.Val275Leu (NM_001284316.2); short protein forms V275L, V540L.
Identifiers: ClinVar variation 1366886 (VCV001366886.3), dbSNP rs570670205, ClinGen allele CA8238351.
Genomic context (GRCh38, chr16:89,154,094, plus strand): 5'-TCCTCCTGCTGGGCACTGTCAGGGCAGTGCGCCTCAGGCTGTGCTTGTCTCTGCAGAAAT[G>C]TCCTGGCCCCGTACGCGGTGCCCTCGGAGCTGGTGCTGGTGGAGGAGATCCCGCGGAACC-3'
Protein context (NP_001230208.1, residues 530-550): HRELKEWARN[Val540Leu]LAPYAVPSEL